The following is an entry in ClinVar:

ClinVar aggregate classification (germline): Benign/Likely benign. Review status: criteria provided, multiple submitters, no conflicts (2 of 4 stars). 3 submissions from 3 submitters: Benign (1); Likely benign (1). 1 of the submissions does not count toward it. Last evaluated 2026-01-12.

Conditions:
GANAB-related disorder. Also called: GANAB-related condition.

Allele frequency attached by ClinVar (database versions not stated): gnomAD 0.00003 and 0.00004; gnomAD exomes 0.00009 and 0.00034; TOPMed 0.00012; ExAC 0.00021.
gnomAD v4.1: 142 of 1,612,220 alleles (0.0088%); highest among the groups gnomAD compares: Admixed American, 0.14%; no homozygotes.

Submissions (3):

Labcorp Genetics (formerly Invitae), Labcorp
Classification: Benign. Last evaluated: 2026-01-12. Review status: criteria provided, single submitter. Criteria: Invitae Variant Classification Sherloc (09022015). Collection method: clinical testing. Allele origin: germline.

CeGaT Center for Human Genetics Tuebingen
Classification: Likely benign. Last evaluated: 2025-12-01. Review status: criteria provided, single submitter. Criteria: CeGaT Center For Human Genetics Tuebingen Variant Classification Criteria Version 2. Collection method: clinical testing. Allele origin: germline. Affected: yes. Observed: 1 variant allele.
Comment: GANAB: BP4, BS1

PreventionGenetics, part of Exact Sciences
Classification: Likely benign for GANAB-related condition. Last evaluated: 2023-04-09. Review status: no assertion criteria provided. Collection method: clinical testing. Allele origin: germline. Not counted in ClinVar's aggregate classification.
Comment: This variant is classified as likely benign based on ACMG/AMP sequence variant interpretation guidelines (Richards et al. 2015 PMID: 25741868, with internal and published modifications).

NM_198334.3(GANAB):c.2740C>T (p.Arg914Cys)

Gene: GANAB (glucosidase II alpha subunit; minus strand). Cytogenetic location: 11q12.3.
Variant type: single nucleotide variant.
Coding change: c.2740C>T on transcript NM_198334.3 (MANE Select); coding-DNA position 2740, C replaced by T.
Protein change: p.Arg914Cys; replaces arginine 914 with cysteine.
Molecular consequence: missense variant.
Genome position (GRCh38, 1-based): chr11:62,625,910, G>A on the plus strand (C>T on the coding strand, the complement: GANAB is on the minus strand). VCF-style: chr11-62625910-G-A. GRCh37 (hg19) VCF-style: chr11-62393382-G-A.
Other names: c.2464C>T, p.Arg822Cys (NM_001278192.2); c.2398C>T, p.Arg800Cys (NM_001278193.2); c.2449C>T, p.Arg817Cys (NM_001278194.2, NM_001329222.2, NM_001329223.2); c.2017C>T, p.Arg673Cys (NM_001329224.2, NM_001329225.2); c.2806C>T, p.Arg936Cys (NM_198335.4); c.2806C>T (NM_198335.3); short protein forms R673C, R800C, R817C, R822C, R914C, R936C.
Identifiers: ClinVar variation 1627254 (VCV001627254.15), dbSNP rs751678133, ClinGen allele CA6050331.